The following is an entry in ClinVar:

NM_004484.4(GPC3):c.39G>T (p.Ala13=)

Gene: GPC3 (glypican 3; minus strand). Cytogenetic location: Xq26.2.
Variant type: single nucleotide variant.
Coding change: c.39G>T on transcript NM_004484.4 (MANE Select); coding-DNA position 39, G replaced by T.
Protein change: p.Ala13=; no amino-acid change (alanine 13 retained).
Molecular consequence: synonymous variant.
Genome position (GRCh38, 1-based): chrX:133,985,411, C>A on the plus strand (G>T on the coding strand, the complement: GPC3 is on the minus strand). VCF-style: chrX-133985411-C-A. GRCh37 (hg19) VCF-style: chrX-133119438-C-A.
Other names: c.39G>T, p.Ala13= (NM_001164617.2, NM_001164618.2, NM_001164619.2).
Identifiers: ClinVar variation 384933 (VCV000384933.13), dbSNP rs1057522079, ClinGen allele CA16608278.
Genomic context (GRCh38, chrX:133,985,411, plus strand): 5'-GGCGTCCGGCGGCGGCGGCGGGGGCTGCGCCTGTCCCGGGAAGTCCAAGCTGAGCAGCAT[C>A]GCCACCACCAAGCACGCGGTGCGCACGGTCCCGGCCATCCTGCTTCGCAGGGAGCTAGGA-3'
Protein context (NP_004475.1, residues 3-23): GTVRTACLVV[Ala13=]MLLSLDFPGQ

ClinVar aggregate classification (germline): Likely benign. Review status: criteria provided, multiple submitters, no conflicts (2 of 4 stars). 3 submissions from 3 submitters: Likely benign (3). Last evaluated 2024-07-15.

Conditions:
Wilms tumor 1 (WT1). Also called: Wilms tumor, somatic. Identifiers: Orphanet 654, MedGen CN033288, MONDO:0008679, OMIM 194070.

Allele frequency attached by ClinVar (database versions not stated): gnomAD exomes below 0.00001 and 0.00002; TOPMed 0.00001.
gnomAD v4.1: 3 of 1,185,400 alleles (0.00025%); highest among the groups gnomAD compares: East Asian, 0.0031%; no homozygotes.

Submissions (3):

Labcorp Genetics (formerly Invitae), Labcorp
Classification: Likely benign for Wilms tumor 1. Last evaluated: 2024-07-15. Review status: criteria provided, single submitter. Criteria: Invitae Variant Classification Sherloc (09022015). Collection method: clinical testing. Allele origin: germline.

Blueprint Genetics
Classification: Likely benign. Last evaluated: 2024-01-11. Review status: criteria provided, single submitter. Criteria: ACMG Guidelines, 2015. Collection method: clinical testing. Allele origin: germline.

GeneDx
Classification: Likely benign. Last evaluated: 2016-03-30. Review status: criteria provided, single submitter. Criteria: GeneDx Variant Classification (06012015). Collection method: clinical testing. Allele origin: germline. Affected: yes.
Comment: This variant is considered likely benign or benign based on one or more of the following criteria: it is a conservative change, it occurs at a poorly conserved position in the protein, it is predicted to be benign by multiple in silico algorithms, and/or has population frequency not consistent with disease.